The following is an entry in ClinVar:

NM_032119.4(ADGRV1):c.11649C>G (p.Asp3883Glu)

Gene: ADGRV1 (adhesion G protein-coupled receptor V1; plus strand). Cytogenetic location: 5q14.3.
Variant type: single nucleotide variant.
Coding change: c.11649C>G on transcript NM_032119.4 (MANE Select); coding-DNA position 11649, C replaced by G.
Protein change: p.Asp3883Glu; replaces aspartic acid 3883 with glutamic acid.
Molecular consequence: missense variant. On other transcripts: non-coding transcript variant (1).
Genome position (GRCh38, 1-based): chr5:90,756,522, C>G. VCF-style: chr5-90756522-C-G. GRCh37 (hg19) VCF-style: chr5-90052339-C-G.
Other names: short protein forms D3883E.
Identifiers: ClinVar variation 1435865 (VCV001435865.6), dbSNP rs763348134, ClinGen allele CA3341016.

ClinVar aggregate classification (germline): Uncertain significance (1 of 4 stars; one submission).

Allele frequency attached by ClinVar (database versions not stated): ExAC 0.00001; gnomAD exomes 0.00001 and 0.00002; TOPMed 0.00002.
gnomAD v4.1: 11 of 1,612,092 alleles (0.00068%); highest among the groups gnomAD compares: Admixed American, 0.0017%; no homozygotes.

Submission:

Labcorp Genetics (formerly Invitae), Labcorp
Classification: Uncertain significance. Last evaluated: 2025-01-06. Review status: criteria provided, single submitter. Criteria: Invitae Variant Classification Sherloc (09022015). Collection method: clinical testing. Allele origin: germline.
Comment: This sequence change replaces aspartic acid, which is acidic and polar, with glutamic acid, which is acidic and polar, at codon 3883 of the ADGRV1 protein (p.Asp3883Glu). This variant is present in population databases (rs763348134, gnomAD 0.006%). This variant has not been reported in the literature in individuals affected with ADGRV1-related conditions. ClinVar contains an entry for this variant (Variation ID: 1435865). An algorithm developed to predict the effect of missense changes on protein structure and function outputs the following: PolyPhen-2: "Probably Damaging". The glutamic acid amino acid residue is found in multiple mammalian species, which suggests that this missense change does not adversely affect protein function. In summary, the available evidence is currently insufficient to determine the role of this variant in disease. Therefore, it has been classified as a Variant of Uncertain Significance.